The following is an entry in ClinVar:

NM_001083614.2(EARS2):c.212del (p.Phe71fs)

Gene: EARS2 (glutamyl-tRNA synthetase 2, mitochondrial; minus strand). Cytogenetic location: 16p12.2.
Variant type: Deletion.
Coding change: c.212del on transcript NM_001083614.2 (MANE Select); coding-DNA position 212, one base deleted (T; older notation c.212delT).
Protein change: p.Phe71fs; shifts the reading frame from phenylalanine 71.
Molecular consequence: frameshift variant. On other transcripts: non-coding transcript variant (1).
Genome position (GRCh38, 1-based): chr16:23,552,232, A deleted on the plus strand (T on the coding strand, the reverse complement: EARS2 is on the minus strand); the first of 2 consecutive A bases (chr16:23,552,232-23,552,233); deleting either gives the same sequence. VCF-style (leftmost placement, unchanged base first): chr16-23552231-GA-G. GRCh37 (hg19) VCF-style: chr16-23563552-GA-G.
Other names: c.212del, p.Phe71fs (NM_001308211.1); c.212delT (NM_001083614.2, NM_001083614.1); c.212del (NM_001083614.1); short protein forms F71fs.
Identifiers: ClinVar variation 419276 (VCV000419276.9), dbSNP rs778413603, ClinGen allele CA7962672.

ClinVar aggregate classification (germline): Pathogenic/Likely pathogenic. Review status: criteria provided, multiple submitters, no conflicts (2 of 4 stars). 4 submissions from 4 submitters: Pathogenic (3); Likely pathogenic (1). Last evaluated 2026-08-12.

Conditions:
Leukoencephalopathy-thalamus and brainstem anomalies-high lactate syndrome. Also called: LEUKOENCEPHALOPATHY WITH THALAMUS AND BRAINSTEM INVOLVEMENT AND HIGH LACTATE; Combined oxidative phosphorylation deficiency 12. Identifiers: Orphanet 314051, MedGen C4706421, MONDO:0013971, OMIM 614924.

Submissions (4):

GeneDx
Classification: Likely pathogenic. Last evaluated: 2026-08-12. Review status: criteria provided, single submitter. Criteria: GeneDx Variant Classification Process June 2021. Collection method: clinical testing. Allele origin: germline.
Comment: Frameshift variant predicted to result in protein truncation or nonsense mediated decay in a gene for which loss of function is a known mechanism of disease; Not observed at significant frequency in large population cohorts (gnomAD); Has not been previously published in association with an EARS2-related disorder to our knowledge; This variant is associated with the following publications: (PMID: 31980526, 22492562)

Labcorp Genetics (formerly Invitae), Labcorp
Classification: Pathogenic. Last evaluated: 2024-12-23. Review status: criteria provided, single submitter. Criteria: Invitae Variant Classification Sherloc (09022015). Collection method: clinical testing. Allele origin: germline.
Comment: This sequence change creates a premature translational stop signal (p.Phe71Serfs*3) in the EARS2 gene. It is expected to result in an absent or disrupted protein product. Loss-of-function variants in EARS2 are known to be pathogenic (PMID: 22492562). This variant is present in population databases (rs778413603, gnomAD 0.003%). This variant has not been reported in the literature in individuals affected with EARS2-related conditions. ClinVar contains an entry for this variant (Variation ID: 419276). For these reasons, this variant has been classified as Pathogenic.

Victorian Clinical Genetics Services, Murdoch Childrens Research Institute
Classification: Pathogenic for Leukoencephalopathy-thalamus and brainstem anomalies-high lactate syndrome. Last evaluated: 2023-07-17. Review status: criteria provided, single submitter. Criteria: ACMG Guidelines, 2015. Collection method: clinical testing. Allele origin: germline. Inheritance: Autosomal recessive inheritance.
Comment: Based on the classification scheme VCGS_Germline_v1.3.4, this variant is classified as pathogenic. The following criteria are met: 0102 - Loss of function is a known mechanism of disease in this gene and is associated with combined oxidative phosphorylation deficiency 12 (MIM#614924). (I) 0106 - This gene is associated with autosomal recessive disease. (I) 0201 - Variant is predicted to cause nonsense-mediated decay (NMD) and loss of protein (premature termination codon is located at least 54 nucleotides upstream of the final exon-exon junction). (SP) 0251 - This variant is heterozygous. (I) 0304 - Variant is present in gnomAD (v2) <0.01 for a recessive condition (4 heterozygotes, 0 homozygotes). (SP) 0803 - This variant has limited previous evidence of pathogenicity in unrelated individuals. This variant has previously been reported as likely pathogenic in ClinVar. (SP) 0905 - No published segregation evidence has been identified for this variant. (I) 1007 - No published functional evidence has been identified for this variant. (I) 0701 - Other NMD-predicted variants comparable to the one identified in this case have very strong previous evidence for pathogenicity (ClinVar). (SP) Legend: (SP) - Supporting pathogenic, (I) - Information, (SB) - Supporting benign

Genetics and Molecular Pathology, SA Pathology
Classification: Pathogenic for Leukoencephalopathy-thalamus and brainstem anomalies-high lactate syndrome. Last evaluated: 2022-12-19. Review status: criteria provided, single submitter. Criteria: ACMG Guidelines, 2015. Collection method: clinical testing. Allele origin: germline. Inheritance: Autosomal recessive inheritance. Affected: yes.
Comment: The EARS2 c.212del variant is classified as Pathogenic (PVS1, PM2, PM3_supporting) This EARS2 c.212del variant is located in exon 2/9 and is predicted to cause a shift in the reading frame at codon 71, likely resulting in non-sense mediated decay of the protein product (PVS1). The variant is rare in population databases (gnomAD allele frequency = 0.0013%; 2 het and 0 hom in 152212 sequenced alleles) (PM2). This variant has been detected in trans with a likely pathogenic variant (c.320G>A) for this recessive condition (PM3_supporting). The variant has been reported in dbSNP (rs778413603) and has been reported as Likely pathogenic by other diagnostic laboratories (ClinVar Variation ID: 419276). It has not been reported in HGMD.

Literature cited by the submitters: PubMed 22492562 (cited by Labcorp Genetics (formerly Invitae), Labcorp).